The following is an entry in ClinVar:

NM_032608.7(MYO18B):c.3412C>T (p.Pro1138Ser)

Gene: MYO18B (myosin XVIIIB; plus strand). Cytogenetic location: 22q12.1.
Variant type: single nucleotide variant.
Coding change: c.3412C>T on transcript NM_032608.7 (MANE Select); coding-DNA position 3412, C replaced by T.
Protein change: p.Pro1138Ser; replaces proline 1138 with serine.
Molecular consequence: missense variant.
Genome position (GRCh38, 1-based): chr22:25,846,143, C>T. VCF-style: chr22-25846143-C-T. GRCh37 (hg19) VCF-style: chr22-26242110-C-T.
Other names: c.3415C>T, p.Pro1139Ser (NM_001318245.2); short protein forms P1139S, P1138S.
Identifiers: ClinVar variation 1388314 (VCV001388314.6), dbSNP rs370569543, ClinGen allele CA322774239.
Genomic context (GRCh38, chr22:25,846,143, plus strand): 5'-TCCCTCCTCCCCACCAGAGAGGAGCTGCGGAGTCTATTCCAGGCCCGGGCCAAGCTGCCT[C>T]CTGTGTGCCGGGCTGTGGCAGGCCTGGAGGGCACCTCCCAGCAGGCCCTGCAGAGGAGCC-3'
Protein context (NP_115997.5, residues 1128-1148): SLFQARAKLP[Pro1138Ser]VCRAVAGLEG

ClinVar aggregate classification (germline): Uncertain significance (1 of 4 stars; one submission).

Allele frequency attached by ClinVar (database versions not stated): TOPMed below 0.00001; gnomAD exomes 0.00001; ESP Exome Variant Server 0.00008.
gnomAD v4.1: 3 of 1,604,292 alleles (0.00019%); highest among the groups gnomAD compares: Non-Finnish European, 0.00025%; no homozygotes.

Submission:

Labcorp Genetics (formerly Invitae), Labcorp
Classification: Uncertain significance. Last evaluated: 2025-10-02. Review status: criteria provided, single submitter. Criteria: Invitae Variant Classification Sherloc (09022015). Collection method: clinical testing. Allele origin: germline.
Comment: This sequence change replaces proline with serine at codon 1138 of the MYO18B protein (p.Pro1138Ser). The proline residue is weakly conserved and there is a moderate physicochemical difference between proline and serine. This variant is not present in population databases (gnomAD no frequency). This variant has not been reported in the literature in individuals affected with MYO18B-related conditions. ClinVar contains an entry for this variant (Variation ID: 1388314). An algorithm developed to predict the effect of missense changes on protein structure and function (PolyPhen-2) suggests that this variant is likely to be disruptive. In summary, the available evidence is currently insufficient to determine the role of this variant in disease. Therefore, it has been classified as a Variant of Uncertain Significance.